The following is an entry in ClinVar:

ClinVar aggregate classification (germline): Uncertain significance (1 of 4 stars; one submission).

Conditions:
Hereditary nonpolyposis colorectal neoplasms. Identifiers: MedGen C0009405, MeSH D003123.

Submission:

Labcorp Genetics (formerly Invitae), Labcorp
Classification: Uncertain significance for Hereditary nonpolyposis colorectal neoplasms. Last evaluated: 2019-04-25. Review status: criteria provided, single submitter. Criteria: Invitae Variant Classification Sherloc (09022015). Collection method: clinical testing. Allele origin: germline.
Comment: In summary, the available evidence is currently insufficient to determine the role of this variant in disease. Therefore, it has been classified as a Variant of Uncertain Significance. Algorithms developed to predict the effect of missense changes on protein structure and function are either unavailable or do not agree on the potential impact of this missense change (SIFT: "Tolerated"; PolyPhen-2: "Probably Damaging"; Align-GVGD: "Class C0"). This variant has not been reported in the literature in individuals with MSH6-related conditions. This variant is not present in population databases (ExAC no frequency). This sequence change replaces methionine with isoleucine at codon 662 of the MSH6 protein (p.Met662Ile). The methionine residue is moderately conserved and there is a small physicochemical difference between methionine and isoleucine.

NM_000179.3(MSH6):c.1986G>A (p.Met662Ile)

Gene: MSH6 (mutS homolog 6; plus strand). Cytogenetic location: 2p16.3.
Variant type: single nucleotide variant.
Coding change: c.1986G>A on transcript NM_000179.3 (MANE Select); coding-DNA position 1986, G replaced by A.
Protein change: p.Met662Ile; replaces methionine 662 with isoleucine.
Molecular consequence: missense variant.
Genome position (GRCh38, 1-based): chr2:47,799,969, G>A. VCF-style: chr2-47799969-G-A. GRCh37 (hg19) VCF-style: chr2-48027108-G-A.
Other names: c.1596G>A, p.Met532Ile (NM_001281492.2); c.1080G>A, p.Met360Ile (NM_001281493.2, NM_001281494.2); short protein forms M360I, M532I, M662I.
Identifiers: ClinVar variation 856301 (VCV000856301.10), dbSNP rs1669404759, ClinGen allele CA346750638.